The following is an entry in ClinVar:

NM_052947.4(ALPK2):c.5491G>A (p.Val1831Met)

Gene: ALPK2 (alpha kinase 2; minus strand). Cytogenetic location: 18q21.31.
Variant type: single nucleotide variant.
Coding change: c.5491G>A on transcript NM_052947.4 (MANE Select); coding-DNA position 5491, G replaced by A.
Protein change: p.Val1831Met; replaces valine 1831 with methionine.
Molecular consequence: missense variant.
Genome position (GRCh38, 1-based): chr18:58,529,101, C>T on the plus strand (G>A on the coding strand, the complement: ALPK2 is on the minus strand). VCF-style: chr18-58529101-C-T. GRCh37 (hg19) VCF-style: chr18-56196333-C-T.
Other names: short protein forms V1831M.
Identifiers: ClinVar variation 2564109 (VCV002564109.2), dbSNP rs1183143656, ClinGen allele CA402553549.

ClinVar aggregate classification (germline): Uncertain significance (1 of 4 stars; one submission).

Allele frequency attached by ClinVar (database versions not stated): TOPMed below 0.00001; gnomAD 0.00001.
gnomAD v4.1: 1 of 1,613,974 alleles (0.000062%); highest among the groups gnomAD compares: Non-Finnish European, 0.000085%; no homozygotes.

Submission:

Ambry Genetics
Classification: Uncertain significance. Last evaluated: 2023-06-05. Review status: criteria provided, single submitter. Criteria: Ambry Variant Classification Scheme 2023. Collection method: clinical testing. Allele origin: germline.
Comment: The p.V1831M variant (also known as c.5491G>A), located in coding exon 5 of the ALPK2 gene, results from a G to A substitution at nucleotide position 5491. The valine at codon 1831 is replaced by methionine, an amino acid with highly similar properties. This amino acid position is conserved. In addition, this alteration is predicted to be tolerated by in silico analysis. Since supporting evidence is limited at this time, the clinical significance of this alteration remains unclear.